The following is an entry in ClinVar:

NM_000052.7(ATP7A):c.1769G>A (p.Arg590Lys)

Gene: ATP7A (ATPase copper transporting alpha; plus strand). Cytogenetic location: Xq21.1.
Variant type: single nucleotide variant.
Coding change: c.1769G>A on transcript NM_000052.7 (MANE Select); coding-DNA position 1769, G replaced by A.
Protein change: p.Arg590Lys; replaces arginine 590 with lysine.
Molecular consequence: missense variant.
Genome position (GRCh38, 1-based): chrX:78,009,163, G>A. VCF-style: chrX-78009163-G-A. GRCh37 (hg19) VCF-style: chrX-77264660-G-A.
Other names: c.1769G>A, p.Arg590Lys (NM_001282224.2); short protein forms R590K.
Identifiers: ClinVar variation 1779737 (VCV001779737.2), dbSNP rs2522341226, ClinGen allele CA413597068.
Genomic context (GRCh38, chrX:78,009,163, plus strand): 5'-TGAGGGGAATGACGTGTGCCTCCTGCGTACATAAAATAGAGTCTAGTCTCACAAAACACA[G>A]AGGGATCCTATACTGCTCCGTGGCCCTGGCAACCAACAAAGCACATATTAAATATGACCC-3'
Protein context (NP_000043.4, residues 580-600): HKIESSLTKH[Arg590Lys]GILYCSVALA

ClinVar aggregate classification (germline): Uncertain significance (1 of 4 stars; one submission).

Conditions:
Inborn genetic diseases. Identifiers: MedGen C0950123, MeSH D030342.

Submission:

Ambry Genetics
Classification: Uncertain significance for Inborn genetic diseases. Last evaluated: 2019-11-12. Review status: criteria provided, single submitter. Criteria: Ambry Variant Classification Scheme 2023. Collection method: clinical testing. Allele origin: germline.
Comment: The p.R590K variant (also known as c.1769G>A), located in coding exon 6 of the ATP7A gene, results from a G to A substitution at nucleotide position 1769. The arginine at codon 590 is replaced by lysine, an amino acid with highly similar properties. This amino acid position is poorly conserved in available vertebrate species. In addition, this alteration is predicted to be tolerated by in silico analysis. Since supporting evidence is limited at this time, the clinical significance of this alteration remains unclear.